The following is an entry in ClinVar:

NM_001042681.2(RERE):c.166A>G (p.Ser56Gly)

Gene: RERE (arginine-glutamic acid dipeptide repeats; minus strand). Cytogenetic location: 1p36.23.
Variant type: single nucleotide variant.
Coding change: c.166A>G on transcript NM_001042681.2 (MANE Select); coding-DNA position 166, A replaced by G.
Protein change: p.Ser56Gly; replaces serine 56 with glycine.
Molecular consequence: missense variant.
Genome position (GRCh38, 1-based): chr1:8,656,132, T>C on the plus strand (A>G on the coding strand, the complement: RERE is on the minus strand). VCF-style: chr1-8656132-T-C. GRCh37 (hg19) VCF-style: chr1-8716191-T-C.
Other names: c.166A>G, p.Ser56Gly (NM_012102.4); short protein forms S56G.
Identifiers: ClinVar variation 4082704 (VCV004082704.1).

ClinVar aggregate classification (germline): Uncertain significance (1 of 4 stars; one submission).

gnomAD v4.1: 6 of 1,614,108 alleles (0.00037%); highest among the groups gnomAD compares: Non-Finnish European, 0.00042%; no homozygotes.

Submission:

GeneDx
Classification: Uncertain significance. Last evaluated: 2025-03-06. Review status: criteria provided, single submitter. Criteria: GeneDx Variant Classification Process June 2021. Collection method: clinical testing. Allele origin: germline. Affected: yes.
Comment: Not observed at significant frequency in large population cohorts (gnomAD); In silico analysis indicates that this missense variant does not alter protein structure/function; Has not been previously published as pathogenic or benign to our knowledge